The following is an entry in ClinVar:

NM_001370959.1(POU6F2):c.1170C>T (p.Ser390=)

Gene: POU6F2 (POU class 6 homeobox 2; plus strand). Cytogenetic location: 7p14.1.
Variant type: single nucleotide variant.
Coding change: c.1170C>T on transcript NM_001370959.1 (MANE Select); coding-DNA position 1170, C replaced by T.
Protein change: p.Ser390=; no amino-acid change (serine 390 retained).
Molecular consequence: synonymous variant.
Genome position (GRCh38, 1-based): chr7:39,433,133, C>T. VCF-style: chr7-39433133-C-T. GRCh37 (hg19) VCF-style: chr7-39472732-C-T.
Other names: c.1083C>T, p.Ser361= (NM_001166018.2, NM_007252.4).
Identifiers: ClinVar variation 3038690 (VCV003038690.2), dbSNP rs368929654, ClinGen allele CA4227740.

ClinVar aggregate classification (germline): Likely benign (0 of 4 stars; one submission).

Conditions:
POU6F2-related disorder. Also called: POU6F2-related condition.

Allele frequency attached by ClinVar (database versions not stated): gnomAD exomes 0.00006; ExAC 0.00007; gnomAD 0.00007; ESP Exome Variant Server 0.00008; 1000 Genomes Project 30x 0.00016; 1000 Genomes Project 0.00020.
gnomAD v4.1: 94 of 1,613,630 alleles (0.0058%); highest among the groups gnomAD compares: Non-Finnish European, 0.0067%; no homozygotes.

Submission:

PreventionGenetics, part of Exact Sciences
Classification: Likely benign for POU6F2-related condition. Last evaluated: 2019-05-24. Review status: no assertion criteria provided. Collection method: clinical testing. Allele origin: germline.
Comment: This variant is classified as likely benign based on ACMG/AMP sequence variant interpretation guidelines (Richards et al. 2015 PMID: 25741868, with internal and published modifications).